The following is an entry in ClinVar:

ClinVar aggregate classification (germline): Uncertain significance. Review status: criteria provided, multiple submitters, no conflicts (2 of 4 stars). 2 submissions from 2 submitters: Uncertain significance (2). Last evaluated 2026-02-18.

Conditions:
Hereditary cancer-predisposing syndrome. Also called: Tumor predisposition; Neoplastic Syndromes, Hereditary; Hereditary Cancer Syndrome; Hereditary neoplastic syndrome. Identifiers: Orphanet 140162, MedGen C0027672, MeSH D009386, MONDO:0015356.

Allele frequency attached by ClinVar (database versions not stated): gnomAD 0.00001; 1000 Genomes Project 30x 0.00016; 1000 Genomes Project 0.00020.
gnomAD v4.1: 2 of 1,614,152 alleles (0.00012%); highest among the groups gnomAD compares: East Asian, 0.0022%; no homozygotes.

Submissions (2):

Ambry Genetics
Classification: Uncertain significance for Hereditary cancer-predisposing syndrome. Last evaluated: 2026-02-18. Review status: criteria provided, single submitter. Criteria: Ambry Variant Classification Scheme 2023. Collection method: clinical testing. Allele origin: germline.
Comment: The p.A1814S variant (also known as c.5440G>T), located in coding exon 40 of the POLE gene, results from a G to T substitution at nucleotide position 5440. The alanine at codon 1814 is replaced by serine, an amino acid with similar properties. This amino acid position is highly conserved in available vertebrate species. In addition, the in silico prediction for this alteration is inconclusive. Based on the available evidence, the clinical significance of this variant remains unclear.

Labcorp Genetics (formerly Invitae), Labcorp
Classification: Uncertain significance. Last evaluated: 2022-11-29. Review status: criteria provided, single submitter. Criteria: Invitae Variant Classification Sherloc (09022015). Collection method: clinical testing. Allele origin: germline.
Comment: This variant has not been reported in the literature in individuals affected with POLE-related conditions. This variant is present in population databases (rs565420825, gnomAD 0.006%). This sequence change replaces alanine, which is neutral and non-polar, with serine, which is neutral and polar, at codon 1814 of the POLE protein (p.Ala1814Ser). In summary, the available evidence is currently insufficient to determine the role of this variant in disease. Therefore, it has been classified as a Variant of Uncertain Significance. Advanced modeling of protein sequence and biophysical properties (such as structural, functional, and spatial information, amino acid conservation, physicochemical variation, residue mobility, and thermodynamic stability) performed at Invitae indicates that this missense variant is not expected to disrupt POLE protein function.

NM_006231.4(POLE):c.5440G>T (p.Ala1814Ser)

Gene: POLE (DNA polymerase epsilon, catalytic subunit; minus strand). Cytogenetic location: 12q24.33.
Variant type: single nucleotide variant.
Coding change: c.5440G>T on transcript NM_006231.4 (MANE Select); coding-DNA position 5440, G replaced by T.
Protein change: p.Ala1814Ser; replaces alanine 1814 with serine.
Molecular consequence: missense variant.
Genome position (GRCh38, 1-based): chr12:132,639,237, C>A on the plus strand (G>T on the coding strand, the complement: POLE is on the minus strand). VCF-style: chr12-132639237-C-A. GRCh37 (hg19) VCF-style: chr12-133215823-C-A.
Other names: c.5440G>T (NM_006231.2); short protein forms A1814S.
Identifiers: ClinVar variation 2809279 (VCV002809279.4), dbSNP rs565420825, ClinGen allele CA6892520.
Genomic context (GRCh38, chr12:132,639,237, plus strand): 5'-CATGAAGCAGAGAGGATGGCGACCGAAGCCAGCGGTAGAAGTGCATCACCTGGTTGTCTG[C>A]ATAGATGTTGTGGTACTGGGTGATCTCCTTCACCCAGCCCACGACCATGCTCTTCAGGAT-3'
Protein context (NP_006222.2, residues 1804-1824): KEITQYHNIY[Ala1814Ser]DNQVMHFYRW